The following is an entry in ClinVar:

NM_002439.5(MSH3):c.2413G>A (p.Ala805Thr)

Gene: MSH3 (mutS homolog 3; plus strand). Cytogenetic location: 5q14.1.
Variant type: single nucleotide variant.
Coding change: c.2413G>A on transcript NM_002439.5 (MANE Select); coding-DNA position 2413, G replaced by A.
Protein change: p.Ala805Thr; replaces alanine 805 with threonine.
Molecular consequence: missense variant.
Genome position (GRCh38, 1-based): chr5:80,778,814, G>A. VCF-style: chr5-80778814-G-A. GRCh37 (hg19) VCF-style: chr5-80074633-G-A.
Other names: c.2413G>A (NM_002439.3); short protein forms A805T.
Identifiers: ClinVar variation 1355419 (VCV001355419.7), dbSNP rs1415737294, ClinGen allele CA360281892.

ClinVar aggregate classification (germline): Uncertain significance. Review status: criteria provided, multiple submitters, no conflicts (2 of 4 stars). 2 submissions from 2 submitters: Uncertain significance (2). Last evaluated 2024-04-10.

Conditions:
Hereditary cancer-predisposing syndrome. Also called: Neoplastic Syndromes, Hereditary; Tumor predisposition; Hereditary neoplastic syndrome; Hereditary Cancer Syndrome. Identifiers: Orphanet 140162, MedGen C0027672, MeSH D009386, MONDO:0015356.

Allele frequency attached by ClinVar (database versions not stated): gnomAD exomes below 0.00001.
gnomAD v4.1: 5 of 1,588,094 alleles (0.00031%); highest among the groups gnomAD compares: African/African-American, 0.0013%; no homozygotes.

Submissions (2):

Labcorp Genetics (formerly Invitae), Labcorp
Classification: Uncertain significance. Last evaluated: 2024-04-10. Review status: criteria provided, single submitter. Criteria: Invitae Variant Classification Sherloc (09022015). Collection method: clinical testing. Allele origin: germline.
Comment: This sequence change replaces alanine, which is neutral and non-polar, with threonine, which is neutral and polar, at codon 805 of the MSH3 protein (p.Ala805Thr). This variant is present in population databases (no rsID available, gnomAD no frequency). This variant has not been reported in the literature in individuals affected with MSH3-related conditions. ClinVar contains an entry for this variant (Variation ID: 1355419). Algorithms developed to predict the effect of missense changes on protein structure and function output the following: SIFT: "Not Available"; PolyPhen-2: "Benign"; Align-GVGD: "Not Available". The threonine amino acid residue is found in multiple mammalian species, which suggests that this missense change does not adversely affect protein function. In summary, the available evidence is currently insufficient to determine the role of this variant in disease. Therefore, it has been classified as a Variant of Uncertain Significance.

Ambry Genetics
Classification: Uncertain significance for Hereditary cancer-predisposing syndrome. Last evaluated: 2024-04-02. Review status: criteria provided, single submitter. Criteria: Ambry Variant Classification Scheme 2023. Collection method: clinical testing. Allele origin: germline.
Comment: The p.A805T variant (also known as c.2413G>A), located in coding exon 17 of the MSH3 gene, results from a G to A substitution at nucleotide position 2413. The alanine at codon 805 is replaced by threonine, an amino acid with similar properties. This amino acid position is not well conserved in available vertebrate species. In addition, this alteration is predicted to be tolerated by in silico analysis. Based on the available evidence, the clinical significance of this alteration remains unclear.